The following is an entry in ClinVar:

NM_002691.4(POLD1):c.223A>T (p.Ile75Leu)

Gene: POLD1 (DNA polymerase delta 1, catalytic subunit; plus strand). Cytogenetic location: 19q13.33.
Variant type: single nucleotide variant.
Coding change: c.223A>T on transcript NM_002691.4 (MANE Select); coding-DNA position 223, A replaced by T.
Protein change: p.Ile75Leu; replaces isoleucine 75 with leucine.
Molecular consequence: missense variant. On other transcripts: non-coding transcript variant (1).
Genome position (GRCh38, 1-based): chr19:50,399,391, A>T. VCF-style: chr19-50399391-A-T. GRCh37 (hg19) VCF-style: chr19-50902648-A-T.
Other names: c.223A>T, p.Ile75Leu (NM_001256849.1, NM_001308632.1); short protein forms I75L.
Identifiers: ClinVar variation 3648813 (VCV003648813.2).

ClinVar aggregate classification (germline): Uncertain significance (1 of 4 stars; one submission).

Conditions:
POLD1-related polyposis and colorectal cancer syndrome (CRCS10). Also called: Colorectal cancer 10; COLORECTAL CANCER, SUSCEPTIBILITY TO, ON CHROMOSOME 19q; Colorectal cancer, susceptibility to, 10. Identifiers: Orphanet 220460, MedGen C2675481, MONDO:0012953, OMIM 612591.

Submission:

Labcorp Genetics (formerly Invitae), Labcorp
Classification: Uncertain significance for POLD1-related polyposis and colorectal cancer syndrome. Last evaluated: 2024-04-04. Review status: criteria provided, single submitter. Criteria: Invitae Variant Classification Sherloc (09022015). Collection method: clinical testing. Allele origin: germline.
Comment: This sequence change replaces isoleucine, which is neutral and non-polar, with leucine, which is neutral and non-polar, at codon 75 of the POLD1 protein (p.Ile75Leu). This variant is not present in population databases (gnomAD no frequency). This variant has not been reported in the literature in individuals affected with POLD1-related conditions. Advanced modeling of protein sequence and biophysical properties (such as structural, functional, and spatial information, amino acid conservation, physicochemical variation, residue mobility, and thermodynamic stability) performed at Invitae indicates that this missense variant is not expected to disrupt POLD1 protein function with a negative predictive value of 80%. In summary, the available evidence is currently insufficient to determine the role of this variant in disease. Therefore, it has been classified as a Variant of Uncertain Significance.